The following is an entry in ClinVar:

NM_000038.6(APC):c.7881T>G (p.Ser2627=)

Gene: APC (APC regulator of Wnt signaling pathway; plus strand). Cytogenetic location: 5q22.2.
Variant type: single nucleotide variant.
Coding change: c.7881T>G on transcript NM_000038.6 (MANE Select); coding-DNA position 7881, T replaced by G.
Protein change: p.Ser2627=; no amino-acid change (serine 2627 retained).
Molecular consequence: synonymous variant.
Genome position (GRCh38, 1-based): chr5:112,843,475, T>G. VCF-style: chr5-112843475-T-G. GRCh37 (hg19) VCF-style: chr5-112179172-T-G.
Other names: c.7881T>G, p.Ser2627= (NM_001127510.3, NM_001354895.2); c.7827T>G, p.Ser2609= (NM_001127511.3); c.7935T>G, p.Ser2645= (NM_001354896.2); c.7911T>G, p.Ser2637= (NM_001354897.2); c.7806T>G, p.Ser2602= (NM_001354898.2); c.7797T>G, p.Ser2599= (NM_001354899.2); c.7758T>G, p.Ser2586= (NM_001354900.2); c.7704T>G, p.Ser2568= (NM_001354901.2); and 5 more.
Identifiers: ClinVar variation 1560865 (VCV001560865.9), dbSNP rs2149995423, ClinGen allele CA446210932.

ClinVar aggregate classification (germline): Benign/Likely benign. Review status: criteria provided, multiple submitters, no conflicts (2 of 4 stars). 2 submissions from 2 submitters: Benign (1); Likely benign (1). Last evaluated 2025-06-16.

Conditions:
Familial adenomatous polyposis 1 (FAP1). Also called: POLYPOSIS, ADENOMATOUS INTESTINAL; FAMILIAL ADENOMATOUS POLYPOSIS 1, ATTENUATED. Identifiers: MedGen C2713442, MONDO:0021056, OMIM 175100. Disease mechanism: loss of function.

Submissions (2):

Labcorp Genetics (formerly Invitae), Labcorp
Classification: Likely benign for Familial adenomatous polyposis 1. Last evaluated: 2025-06-16. Review status: criteria provided, single submitter. Criteria: Invitae Variant Classification Sherloc (09022015). Collection method: clinical testing. Allele origin: germline.

Myriad Genetics, Inc.
Classification: Benign for Familial adenomatous polyposis 1. Last evaluated: 2024-04-11. Review status: criteria provided, single submitter. Criteria: Myriad Autosomal Dominant, Autosomal Recessive and X-Linked Classification Criteria (2023). Collection method: clinical testing. Allele origin: unknown.
Comment: This variant is considered benign. This variant is a silent/synonymous amino acid change and it is not expected to impact splicing.